The following is an entry in ClinVar:

NM_031407.7(HUWE1):c.12352G>A (p.Val4118Ile)

Gene: HUWE1 (HECT, UBA and WWE domain containing E3 ubiquitin protein ligase 1; minus strand). Cytogenetic location: Xp11.22.
Variant type: single nucleotide variant.
Coding change: c.12352G>A on transcript NM_031407.7 (MANE Select); coding-DNA position 12352, G replaced by A.
Protein change: p.Val4118Ile; replaces valine 4118 with isoleucine.
Molecular consequence: missense variant.
Genome position (GRCh38, 1-based): chrX:53,536,453, C>T on the plus strand (G>A on the coding strand, the complement: HUWE1 is on the minus strand). VCF-style: chrX-53536453-C-T. GRCh37 (hg19) VCF-style: chrX-53563414-C-T.
Other names: short protein forms V4118I.
Identifiers: ClinVar variation 3373752 (VCV003373752.1).
Genomic context (GRCh38, chrX:53,536,453, plus strand): 5'-CCAAGATGTGTTTGTAAAAGGATCGAGTAAAGTAGCACTCCAGAAGACGGTTGTCATATA[C>T]AGCTTTGGCCACAATGCGTCCGACAAACTTGAAGTAGCTGAGGTGGTTGGGGTTGCAGTG-3'
Protein context (NP_113584.3, residues 4108-4128): KFVGRIVAKA[Val4118Ile]YDNRLLECYF

ClinVar aggregate classification (germline): Uncertain significance (1 of 4 stars; one submission).

Submission:

GeneDx
Classification: Uncertain significance. Last evaluated: 2024-03-05. Review status: criteria provided, single submitter. Criteria: GeneDx Variant Classification Process June 2021. Collection method: clinical testing. Allele origin: germline. Affected: yes.
Comment: Not observed at significant frequency in large population cohorts (gnomAD); In silico analysis supports that this missense variant does not alter protein structure/function; Has not been previously published as pathogenic or benign to our knowledge